The following is an entry in ClinVar:

ClinVar aggregate classification (germline): Uncertain significance (1 of 4 stars; one submission).

Conditions:
Muscular dystrophy-dystroglycanopathy type B6 (MDDGB6). Also called: MUSCULAR DYSTROPHY-DYSTROGLYCANOPATHY (CONGENITAL WITH IMPAIRED INTELLECTUAL DEVELOPMENT), TYPE B, 6; MUSCULAR DYSTROPHY, CONGENITAL, LARGE-RELATED; MUSCULAR DYSTROPHY, CONGENITAL, TYPE 1D. Identifiers: MedGen C1837229, MONDO:0012138, OMIM 608840.

Submission:

Labcorp Genetics (formerly Invitae), Labcorp
Classification: Uncertain significance for Muscular dystrophy-dystroglycanopathy type B6. Last evaluated: 2022-01-05. Review status: criteria provided, single submitter. Criteria: Invitae Variant Classification Sherloc (09022015). Collection method: clinical testing. Allele origin: germline.
Comment: In summary, the available evidence is currently insufficient to determine the role of this variant in disease. Therefore, it has been classified as a Variant of Uncertain Significance. This variant has not been reported in the literature in individuals affected with LARGE1-related conditions. A copy number gain of the genomic region encompassing the full coding sequence of the LARGE1 gene has been identified. The boundaries of this event are unknown as they extend beyond the assayed region for this gene and therefore may encompass additional genes. As the precise location of this event is unknown, it may be in tandem or it may be located elsewhere in the genome.

NC_000022.10:g.(?_32232938)_(34157463_?)dup

Genes: RFPL3S (RFPL3 antisense; minus strand), SLC5A1 (solute carrier family 5 member 1; plus strand), RFPL2 (ret finger protein like 2; minus strand), FBXO7 (F-box protein 7; plus strand), TIMP3 (TIMP metallopeptidase inhibitor 3; plus strand) and 10 more. Cytogenetic location: 22q12.3.
Variant type: Duplication.
Identifiers: ClinVar variation 1411277 (VCV001411277.7).